The following is an entry in ClinVar:

ClinVar aggregate classification (germline): Uncertain significance (1 of 4 stars; one submission).

Conditions:
Hereditary cancer-predisposing syndrome. Also called: Neoplastic Syndromes, Hereditary; Tumor predisposition; Hereditary neoplastic syndrome; Hereditary Cancer Syndrome. Identifiers: Orphanet 140162, MedGen C0027672, MeSH D009386, MONDO:0015356.

Submission:

Ambry Genetics
Classification: Uncertain significance for Hereditary cancer-predisposing syndrome. Last evaluated: 2024-02-08. Review status: criteria provided, single submitter. Criteria: Ambry Variant Classification Scheme 2023. Collection method: clinical testing. Allele origin: germline.
Comment: The p.A636V variant (also known as c.1907C>T), located in coding exon 11 of the SMARCA4 gene, results from a C to T substitution at nucleotide position 1907. The alanine at codon 636 is replaced by valine, an amino acid with similar properties. This amino acid position is highly conserved in available vertebrate species. In addition, the in silico prediction for this alteration is inconclusive. Based on the available evidence, the clinical significance of this alteration remains unclear.

NM_003072.5(SMARCA4):c.1907C>T (p.Ala636Val)

Gene: SMARCA4 (SWI/SNF related BAF chromatin remodeling complex subunit ATPase 4; plus strand). Cytogenetic location: 19p13.2.
Variant type: single nucleotide variant.
Coding change: c.1907C>T on transcript NM_003072.5 (MANE Select); coding-DNA position 1907, C replaced by T.
Protein change: p.Ala636Val; replaces alanine 636 with valine.
Molecular consequence: missense variant. On other transcripts: non-coding transcript variant (1).
Genome position (GRCh38, 1-based): chr19:11,003,123, C>T. VCF-style: chr19-11003123-C-T. GRCh37 (hg19) VCF-style: chr19-11113799-C-T.
Other names: c.1907C>T, p.Ala636Val (NM_001128844.3, NM_001128845.2, NM_001128846.2 and 6 more transcripts); short protein forms A636V.
Identifiers: ClinVar variation 3233081 (VCV003233081.1), dbSNP rs201807686, ClinGen allele CA404051650.